The following is an entry in ClinVar:

NM_001364905.1(LRBA):c.4350C>T (p.Val1450=)

Gene: LRBA (LPS responsive beige-like anchor protein; minus strand). Cytogenetic location: 4q31.3.
Variant type: single nucleotide variant.
Coding change: c.4350C>T on transcript NM_001364905.1 (MANE Select); coding-DNA position 4350, C replaced by T.
Protein change: p.Val1450=; no amino-acid change (valine 1450 retained).
Molecular consequence: synonymous variant.
Genome position (GRCh38, 1-based): chr4:150,844,769, G>A on the plus strand (C>T on the coding strand, the complement: LRBA is on the minus strand). VCF-style: chr4-150844769-G-A. GRCh37 (hg19) VCF-style: chr4-151765921-G-A.
Other names: c.4350C>T, p.Val1450= (NM_001199282.3, NM_001367550.1, NM_006726.5).
Identifiers: ClinVar variation 1634824 (VCV001634824.10), dbSNP rs750711532, ClinGen allele CA3102814.
Genomic context (GRCh38, chr4:150,844,769, plus strand): 5'-TTTATCTCCCCTAGTTTTCAGTTGTGAATGCTGTTGACACTCCAAGCAATTCCTTACTGC[G>A]ACTGCACAAACTGTAATTTATTTTAAGGAAAAGATAGGGAAAGAAAAGTTAATATTTAAG-3'
Protein context (NP_001351834.1, residues 1440-1460): LRQCLRLVCA[Val1450=]AVRNCLECQQ

ClinVar aggregate classification (germline): Benign. Review status: criteria provided, single submitter (1 of 4 stars). 2 submissions from 2 submitters: Benign (1). 1 of the submissions does not count toward it. Last evaluated 2024-12-19.

Conditions:
LRBA-related disorder. Also called: LRBA-related condition.
Combined immunodeficiency due to LRBA deficiency. Also called: Common variable immunodeficiency 8, with autoimmunity. Identifiers: Orphanet 445018, MedGen C3553512, MONDO:0013863, OMIM 614700.

Allele frequency attached by ClinVar (database versions not stated): TOPMed 0.00001; gnomAD 0.00002; gnomAD exomes 0.00008; ExAC 0.00010.
gnomAD v4.1: 68 of 1,611,274 alleles (0.0042%); highest among the groups gnomAD compares: Middle Eastern, 0.066%; 2 homozygotes.

Submissions (2):

Labcorp Genetics (formerly Invitae), Labcorp
Classification: Benign for Combined immunodeficiency due to LRBA deficiency. Last evaluated: 2024-12-19. Review status: criteria provided, single submitter. Criteria: Invitae Variant Classification Sherloc (09022015). Collection method: clinical testing. Allele origin: germline.

PreventionGenetics, part of Exact Sciences
Classification: Likely benign for LRBA-related condition. Last evaluated: 2019-07-10. Review status: no assertion criteria provided. Collection method: clinical testing. Allele origin: germline. Not counted in ClinVar's aggregate classification.
Comment: This variant is classified as likely benign based on ACMG/AMP sequence variant interpretation guidelines (Richards et al. 2015 PMID: 25741868, with internal and published modifications).